The following is an entry in ClinVar:

ClinVar aggregate classification (germline): Uncertain significance. Review status: criteria provided, multiple submitters, no conflicts (2 of 4 stars). 5 submissions from 5 submitters: Uncertain significance (5). Last evaluated 2024-01-03.

Conditions:
Inborn genetic diseases. Identifiers: MedGen C0950123, MeSH D030342.
Potassium-aggravated myotonia. Also called: Myotonia congenita, atypical, acetazolamide-responsive; MYOTONIA CONGENITA, ACETAZOLAMIDE-RESPONSIVE; MYOTONIA CONGENITA, ATYPICAL; SODIUM CHANNEL MUSCLE DISEASE. Identifiers: Orphanet 612, Orphanet 99734, Orphanet 99735, Orphanet 99736, MedGen C2931826, MONDO:0018959, OMIM 608390.
Congenital myasthenic syndrome 16. Identifiers: Orphanet 590, MedGen C3280112, MONDO:0013620, OMIM 614198.
Paramyotonia congenita of Von Eulenburg. Also called: Paramyotonia Congenita; PARALYSIS PERIODICA PARAMYOTONICA; Eulenburg disease; Myotonia congenita intermittens; Von Eulenburg paramyotonia congenita. Identifiers: Orphanet 684, MedGen C0221055, MONDO:0008195, OMIM 168300. Disease mechanism: loss of function.
Hypokalemic periodic paralysis, type 2 (HOKPP2). Identifiers: Orphanet 681, MedGen C2750061, MONDO:0013234, OMIM 613345.
Hypokalemic periodic paralysis, type 1. Also called: Hypokalemic Periodic Paralysis Type 1 (AD); HypoPP. Identifiers: Orphanet 681, MedGen C3714580, MONDO:0042979, OMIM 170400.
Hyperkalemic periodic paralysis. Also called: Familial hyperkalemic periodic paralysis; Gamstorp disease. Identifiers: Orphanet 682, MedGen C0238357, MONDO:0008224, OMIM 170500, HP:0007215.

Allele frequency attached by ClinVar (database versions not stated): gnomAD exomes 0.00001 and 0.00004; ExAC 0.00003; TOPMed below 0.00001; gnomAD 0.00001.
gnomAD v4.1: 10 of 1,613,740 alleles (0.00062%); highest among the groups gnomAD compares: East Asian, 0.022%; no homozygotes.

Submissions (5):

Ambry Genetics
Classification: Uncertain significance for Inborn genetic diseases. Last evaluated: 2024-01-03. Review status: criteria provided, single submitter. Criteria: Ambry Variant Classification Scheme 2023. Collection method: clinical testing. Allele origin: germline.

Labcorp Genetics (formerly Invitae), Labcorp
Classification: Uncertain significance for Hyperkalemic periodic paralysis. Last evaluated: 2022-03-03. Review status: criteria provided, single submitter. Criteria: Invitae Variant Classification Sherloc (09022015). Collection method: clinical testing. Allele origin: germline.
Comment: In summary, the available evidence is currently insufficient to determine the role of this variant in disease. Therefore, it has been classified as a Variant of Uncertain Significance. Algorithms developed to predict the effect of missense changes on protein structure and function (SIFT, PolyPhen-2, Align-GVGD) all suggest that this variant is likely to be disruptive. This sequence change replaces isoleucine, which is neutral and non-polar, with valine, which is neutral and non-polar, at codon 1468 of the SCN4A protein (p.Ile1468Val). This variant is present in population databases (rs748620733, gnomAD 0.05%). This variant has not been reported in the literature in individuals affected with SCN4A-related conditions. ClinVar contains an entry for this variant (Variation ID: 961699).

Fulgent Genetics
Classification: Uncertain significance for Paramyotonia congenita of Von Eulenburg; Hypokalemic periodic paralysis, type 1; Hyperkalemic periodic paralysis; Potassium-aggravated myotonia; Hypokalemic periodic paralysis, type 2; Congenital myasthenic syndrome 16. Last evaluated: 2022-01-04. Review status: criteria provided, single submitter. Criteria: ACMG Guidelines, 2015. Collection method: clinical testing. Allele origin: unknown.

Revvity Omics, Revvity
Classification: Uncertain significance. Last evaluated: 2021-08-23. Review status: criteria provided, single submitter. Criteria: ACMG Guidelines, 2015. Collection method: clinical testing. Allele origin: germline.

Juno Genomics, Hangzhou Juno Genomics, Inc
Classification: Uncertain significance for Hyperkalemic periodic paralysis; Hypokalemic periodic paralysis, type 2; Congenital myasthenic syndrome 16; Potassium-aggravated myotonia; Paramyotonia congenita of Von Eulenburg. Review status: criteria provided, single submitter. Criteria: ACMG Guidelines, 2015. Collection method: clinical testing. Allele origin: germline. Affected: yes.
Comment: Absent from controls (or at extremely low frequency if recessive) in Genome Aggregation Database, Exome Sequencing Project, 1000 Genomes Project, or Exome Aggregation Consortium.

NM_000334.4(SCN4A):c.4402A>G (p.Ile1468Val)

Genes: GH-LCR (growth hormone locus control region; plus strand), SCN4A (sodium voltage-gated channel alpha subunit 4; minus strand). Cytogenetic location: 17q23.3.
Variant type: single nucleotide variant.
Coding change: c.4402A>G on transcript NM_000334.4 (MANE Select); coding-DNA position 4402, A replaced by G.
Protein change: p.Ile1468Val; replaces isoleucine 1468 with valine.
Molecular consequence: missense variant.
Genome position (GRCh38, 1-based): chr17:63,941,880, T>C on the plus strand (A>G on the coding strand, the complement: SCN4A is on the minus strand). VCF-style: chr17-63941880-T-C. GRCh37 (hg19) VCF-style: chr17-62019240-T-C.
Other names: short protein forms I1468V.
Identifiers: ClinVar variation 961699 (VCV000961699.17), dbSNP rs748620733, ClinGen allele CA8708971.
Genomic context (GRCh38, chr17:63,941,880, plus strand): 5'-GGAGGCCGATGTTGAAGAGGGCAGGCAGCGACATCATGAGGGCGAACAGCAGCGTCCGGA[T>C]GCCCTTGGCCCCGCGGATCAGCCGCAGGACACGCCCAATCCGCGCCAGGCGGATCACACG-3'
Protein context (NP_000325.4, residues 1458-1478): VLRLIRGAKG[Ile1468Val]RTLLFALMMS